The following is an entry in ClinVar:

ClinVar aggregate classification (germline): Uncertain significance (1 of 4 stars; one submission).

Conditions:
Developmental and epileptic encephalopathy, 23 (DEE23). Also called: Epileptic encephalopathy, early infantile, 23. Identifiers: Orphanet 411986, MedGen C4014492, MONDO:0014371, OMIM 615859.

gnomAD v4.1: 1 of 1,613,890 alleles (0.000062%); highest among the groups gnomAD compares: Non-Finnish European, 0.000085%; no homozygotes.

Submission:

Labcorp Genetics (formerly Invitae), Labcorp
Classification: Uncertain significance for Developmental and epileptic encephalopathy, 23. Last evaluated: 2020-02-14. Review status: criteria provided, single submitter. Criteria: Invitae Variant Classification Sherloc (09022015). Collection method: clinical testing. Allele origin: germline.
Comment: In summary, the available evidence is currently insufficient to determine the role of this variant in disease. Therefore, it has been classified as a Variant of Uncertain Significance. Algorithms developed to predict the effect of missense changes on protein structure and function are either unavailable or do not agree on the potential impact of this missense change (SIFT: "Deleterious"; PolyPhen-2: "Benign"; Align-GVGD: "Class C0"). This variant has not been reported in the literature in individuals with DOCK7-related conditions. This variant is not present in population databases (ExAC no frequency). This sequence change replaces tyrosine with cysteine at codon 486 of the DOCK7 protein (p.Tyr486Cys). The tyrosine residue is highly conserved and there is a large physicochemical difference between tyrosine and cysteine.

NM_001367561.1(DOCK7):c.1457A>G (p.Tyr486Cys)

Gene: DOCK7 (dedicator of cytokinesis 7; minus strand). Cytogenetic location: 1p31.3.
Variant type: single nucleotide variant.
Coding change: c.1457A>G on transcript NM_001367561.1 (MANE Select); coding-DNA position 1457, A replaced by G.
Protein change: p.Tyr486Cys; replaces tyrosine 486 with cysteine.
Molecular consequence: missense variant.
Genome position (GRCh38, 1-based): chr1:62,619,962, T>C on the plus strand (A>G on the coding strand, the complement: DOCK7 is on the minus strand). VCF-style: chr1-62619962-T-C. GRCh37 (hg19) VCF-style: chr1-63085633-T-C.
Other names: c.1457A>G, p.Tyr486Cys (NM_001271999.2, NM_001272000.2, NM_001272001.2 and 3 more transcripts); short protein forms Y486C.
Identifiers: ClinVar variation 1010278 (VCV001010278.9), dbSNP rs909447896, ClinGen allele CA23768883.